The following is an entry in ClinVar:

ClinVar aggregate classification (germline): Uncertain significance. Review status: criteria provided, multiple submitters, no conflicts (2 of 4 stars). 2 submissions from 2 submitters: Uncertain significance (2). Last evaluated 2025-07-01.

Allele frequency attached by ClinVar (database versions not stated): ESP Exome Variant Server 0.00046.
gnomAD v4.1: 173 of 1,612,638 alleles (0.011%); highest among the groups gnomAD compares: African/African-American, 0.08%; no homozygotes.

Submissions (2):

Labcorp Genetics (formerly Invitae), Labcorp
Classification: Uncertain significance. Last evaluated: 2025-07-01. Review status: criteria provided, single submitter. Criteria: Invitae Variant Classification Sherloc (09022015). Collection method: clinical testing. Allele origin: germline.
Comment: This sequence change replaces alanine, which is neutral and non-polar, with threonine, which is neutral and polar, at codon 1483 of the LCT protein (p.Ala1483Thr). This variant is present in population databases (rs139591272, gnomAD 0.1%). This variant has not been reported in the literature in individuals affected with LCT-related conditions. ClinVar contains an entry for this variant (Variation ID: 1490947). Invitae Evidence Modeling of protein sequence and biophysical properties (such as structural, functional, and spatial information, amino acid conservation, physicochemical variation, residue mobility, and thermodynamic stability) indicates that this missense variant is not expected to disrupt LCT protein function with a negative predictive value of 80%. In summary, the available evidence is currently insufficient to determine the role of this variant in disease. Therefore, it has been classified as a Variant of Uncertain Significance.

Blueprint Genetics
Classification: Uncertain significance. Last evaluated: 2023-11-14. Review status: criteria provided, single submitter. Criteria: ACMG Guidelines, 2015. Collection method: clinical testing. Allele origin: germline.

NM_002299.4(LCT):c.4447G>A (p.Ala1483Thr)

Gene: LCT (lactase; minus strand). Cytogenetic location: 2q21.3.
Variant type: single nucleotide variant.
Coding change: c.4447G>A on transcript NM_002299.4 (MANE Select); coding-DNA position 4447, G replaced by A.
Protein change: p.Ala1483Thr; replaces alanine 1483 with threonine.
Molecular consequence: missense variant.
Genome position (GRCh38, 1-based): chr2:135,804,784, C>T on the plus strand (G>A on the coding strand, the complement: LCT is on the minus strand). VCF-style: chr2-135804784-C-T. GRCh37 (hg19) VCF-style: chr2-136562354-C-T.
Other names: short protein forms A1483T.
Identifiers: ClinVar variation 1490947 (VCV001490947.8), dbSNP rs139591272, ClinGen allele CA1887856.